The following is an entry in ClinVar:

ClinVar aggregate classification (germline): Uncertain significance. Review status: criteria provided, multiple submitters, no conflicts (2 of 4 stars). 5 submissions from 4 submitters: Uncertain significance (5). Last evaluated 2024-04-16.

Conditions:
Brain small vessel disease 1 with or without ocular anomalies (BSVD1). Also called: GOULD SYNDROME 1; PORENCEPHALY, TYPE 1, AUTOSOMAL DOMINANT; BRAIN SMALL VESSEL DISEASE WITH HEMORRHAGE; Brain small vessel disease with or without ocular anomalies. Identifiers: Orphanet 2940, Orphanet 36383, Orphanet 99810, MedGen C4755307, MONDO:0008289, OMIM 175780.
Hemorrhage, intracerebral, susceptibility to (ICH). Also called: Stroke, hemorrhagic, susceptibility to. Identifiers: MedGen C3281105, MONDO:0100533, OMIM 614519.
Autosomal dominant familial hematuria-retinal arteriolar tortuosity-contractures syndrome. Also called: Hereditary Angiopathy with Nephropathy, Aneurysms, and Muscle Cramps (HANAC) Syndrome; Angiopathy, hereditary, with nephropathy, aneurysms, and muscle cramps. Identifiers: Orphanet 73229, MedGen C2673195, MONDO:0012726, OMIM 611773.
Microangiopathy and leukoencephalopathy, pontine, autosomal dominant. Also called: Pontine autosomal dominant microangiopathy with leukoencephalopathy; DEMENTIA, HEREDITARY MULTI-INFARCT, SWEDISH TYPE. Identifiers: Orphanet 477749, MedGen C5231411, MONDO:0032814, OMIM 618564.
Retinal arterial tortuosity. Also called: Retinal arteries, tortuosity of; RETINAL HEMORRHAGE WITH VASCULAR TORTUOSITY. Identifiers: Orphanet 75326, MedGen C0423401, MONDO:0008373, OMIM 180000, HP:0000631.

Allele frequency attached by ClinVar (database versions not stated): gnomAD exomes 0.00001.
gnomAD v4.1: 9 of 1,613,894 alleles (0.00056%); highest among the groups gnomAD compares: Non-Finnish European, 0.00076%; no homozygotes.

Submissions (5):

Labcorp Genetics (formerly Invitae), Labcorp
Classification: Uncertain significance. Last evaluated: 2024-04-16. Review status: criteria provided, single submitter. Criteria: Invitae Variant Classification Sherloc (09022015). Collection method: clinical testing. Allele origin: germline.
Comment: This sequence change replaces valine, which is neutral and non-polar, with alanine, which is neutral and non-polar, at codon 1389 of the COL4A1 protein (p.Val1389Ala). This variant is present in population databases (no rsID available, gnomAD 0.002%). This variant has not been reported in the literature in individuals affected with COL4A1-related conditions. ClinVar contains an entry for this variant (Variation ID: 880572). Algorithms developed to predict the effect of missense changes on protein structure and function output the following: SIFT: "Not Available"; PolyPhen-2: "Benign"; Align-GVGD: "Not Available". The alanine amino acid residue is found in multiple mammalian species, which suggests that this missense change does not adversely affect protein function. In summary, the available evidence is currently insufficient to determine the role of this variant in disease. Therefore, it has been classified as a Variant of Uncertain Significance.

Revvity Omics, Revvity
Classification: Uncertain significance. Last evaluated: 2023-08-17. Review status: criteria provided, single submitter. Criteria: ACMG Guidelines, 2015. Collection method: clinical testing. Allele origin: germline.

Fulgent Genetics
Classification: Uncertain significance for Brain small vessel disease 1 with or without ocular anomalies; Retinal arterial tortuosity; Autosomal dominant familial hematuria-retinal arteriolar tortuosity-contractures syndrome; Hemorrhage, intracerebral, susceptibility to; Microangiopathy and leukoencephalopathy, pontine, autosomal dominant. Last evaluated: 2022-03-08. Review status: criteria provided, single submitter. Criteria: ACMG Guidelines, 2015. Collection method: clinical testing. Allele origin: unknown.

Illumina Laboratory Services, Illumina
Classification: Uncertain significance for Brain small vessel disease 1 with or without ocular anomalies. Last evaluated: 2018-01-12. Review status: criteria provided, single submitter. Criteria: ICSL Variant Classification Criteria 13 December 2019. Collection method: clinical testing. Allele origin: germline.

Illumina Laboratory Services, Illumina
Classification: Uncertain significance for Autosomal dominant familial hematuria-retinal arteriolar tortuosity-contractures syndrome. Last evaluated: 2018-01-12. Review status: criteria provided, single submitter. Criteria: ICSL Variant Classification Criteria 13 December 2019. Collection method: clinical testing. Allele origin: germline.

NM_001845.6(COL4A1):c.4166T>C (p.Val1389Ala)

Gene: COL4A1 (collagen type IV alpha 1 chain; minus strand). Cytogenetic location: 13q34.
Variant type: single nucleotide variant.
Coding change: c.4166T>C on transcript NM_001845.6 (MANE Select); coding-DNA position 4166, T replaced by C.
Protein change: p.Val1389Ala; replaces valine 1389 with alanine.
Molecular consequence: missense variant.
Genome position (GRCh38, 1-based): chr13:110,163,546, A>G on the plus strand (T>C on the coding strand, the complement: COL4A1 is on the minus strand). VCF-style: chr13-110163546-A-G. GRCh37 (hg19) VCF-style: chr13-110815893-A-G.
Other names: short protein forms V1389A.
Identifiers: ClinVar variation 880572 (VCV000880572.14), dbSNP rs1357289362, ClinGen allele CA388659456.
Genomic context (GRCh38, chr13:110,163,546, plus strand): 5'-TCTCCTTTCTGGCCAGGGGCACCGTCAAACCCAGGAATACCTGGAGGTCCAGGTATACCC[A>G]CCAATCCTGTAACACCTGAGGCAGAGGAAAAATAATTTATGATCCTGTATGGCAGTAAGC-3'
Protein context (NP_001836.3, residues 1379-1399): PKGQQGVTGL[Val1389Ala]GIPGPPGIPG